The following is an entry in ClinVar:

NM_000182.5(HADHA):c.556C>T (p.Gln186Ter)

Gene: HADHA (hydroxyacyl-CoA dehydrogenase trifunctional multienzyme complex subunit alpha; minus strand). Cytogenetic location: 2p23.3.
Variant type: single nucleotide variant.
Coding change: c.556C>T on transcript NM_000182.5 (MANE Select); coding-DNA position 556, C replaced by T.
Protein change: p.Gln186Ter; replaces glutamine 186 with a stop codon.
Molecular consequence: nonsense.
Genome position (GRCh38, 1-based): chr2:26,232,177, G>A on the plus strand (C>T on the coding strand, the complement: HADHA is on the minus strand). VCF-style: chr2-26232177-G-A. GRCh37 (hg19) VCF-style: chr2-26455045-G-A.
Other names: short protein forms Q186*.
Identifiers: ClinVar variation 1373566 (VCV001373566.8), dbSNP rs2147781182, ClinGen allele CA346092753.
Genomic context (GRCh38, chr2:26,232,177, plus strand): 5'-CTAAAGAGGGCATATAGCTTCACAAAGGGGATGTTAGACTCACCATTTTGGGCAGCCTTT[G>A]TGTGCCTCCTGCTCCTGGTAAGGCCCCCAGCAAAACTTCAGGGGTACCTAATACTGTTTT-3'

ClinVar aggregate classification (germline): Pathogenic/Likely pathogenic. Review status: criteria provided, multiple submitters, no conflicts (2 of 4 stars). 3 submissions from 3 submitters: Pathogenic (1); Likely pathogenic (2). Last evaluated 2024-10-10.

Conditions:
Long chain 3-hydroxyacyl-CoA dehydrogenase deficiency. Also called: Deficiency of long-chain 3-hydroxyacyl-coenzyme A dehydrogenase; LCHAD Deficiency. Identifiers: Orphanet 5, MedGen C3711645, MONDO:0012173, OMIM 609016.
Mitochondrial trifunctional protein deficiency 1 (MTPD1). Identifiers: MedGen CN376812, MONDO:0958181, OMIM 609015.
Mitochondrial trifunctional protein deficiency. Identifiers: Orphanet 746, MedGen C1969443, MONDO:0012172.

gnomAD v4.1: 8 of 1,611,116 alleles (0.0005%); highest among the groups gnomAD compares: Non-Finnish European, 0.00068%; no homozygotes.

Submissions (3):

Labcorp Genetics (formerly Invitae), Labcorp
Classification: Pathogenic for Mitochondrial trifunctional protein deficiency; Long chain 3-hydroxyacyl-CoA dehydrogenase deficiency. Last evaluated: 2024-10-10. Review status: criteria provided, single submitter. Criteria: Invitae Variant Classification Sherloc (09022015). Collection method: clinical testing. Allele origin: germline.
Comment: This sequence change creates a premature translational stop signal (p.Gln186*) in the HADHA gene. It is expected to result in an absent or disrupted protein product. Loss-of-function variants in HADHA are known to be pathogenic (PMID: 7738175, 21103935, 21549624, 22459206). This variant is not present in population databases (gnomAD no frequency). This variant has not been reported in the literature in individuals affected with HADHA-related conditions. ClinVar contains an entry for this variant (Variation ID: 1373566). For these reasons, this variant has been classified as Pathogenic.

Fulgent Genetics
Classification: Likely pathogenic for Mitochondrial trifunctional protein deficiency 1; Long chain 3-hydroxyacyl-CoA dehydrogenase deficiency. Last evaluated: 2024-06-20. Review status: criteria provided, single submitter. Criteria: ACMG Guidelines, 2015. Collection method: clinical testing. Allele origin: germline.

Baylor Genetics
Classification: Likely pathogenic for Long chain 3-hydroxyacyl-CoA dehydrogenase deficiency. Last evaluated: 2023-08-03. Review status: criteria provided, single submitter. Criteria: ACMG Guidelines, 2015. Collection method: clinical testing. Allele origin: unknown.

Literature cited by the submitters: PubMed 7738175 (cited by Labcorp Genetics (formerly Invitae), Labcorp); PubMed 21103935 (cited by Labcorp Genetics (formerly Invitae), Labcorp); PubMed 21549624 (cited by Labcorp Genetics (formerly Invitae), Labcorp); PubMed 22459206 (cited by Labcorp Genetics (formerly Invitae), Labcorp).